The following is an entry in ClinVar:

NM_000358.3(TGFBI):c.1517_1518insCAAGGG (p.Met506delinsIleLysGly)

Gene: TGFBI (transforming growth factor beta induced; plus strand). Cytogenetic location: 5q31.1.
Variant type: Insertion.
Coding change: c.1517_1518insCAAGGG on transcript NM_000358.3 (MANE Select); coding-DNA positions 1517 to 1518, CAAGGG inserted.
Protein change: p.Met506delinsIleLysGly.
Molecular consequence: inframe indel.
Genome position: GRCh38 VCF-style: chr5-136055786-T-TCAAGGG. GRCh37 (hg19) VCF-style: chr5-135391475-T-TCAAGGG.
Identifiers: ClinVar variation 2572628 (VCV002572628.1), dbSNP rs2479615961, ClinGen allele CA2580613667.

ClinVar aggregate classification (germline): Likely pathogenic (1 of 4 stars; one submission).

Conditions:
Reis-Bucklers' corneal dystrophy (CDRB). Also called: GRANULAR CORNEAL DYSTROPHY, TYPE III. Identifiers: Orphanet 98961, MedGen C0339278, MONDO:0012043, OMIM 608470.

Submission:

Laboratory of Medical Genetics, National & Kapodistrian University of Athens
Classification: Likely pathogenic for Reis-Bucklers' corneal dystrophy. Last evaluated: 2022-10-17. Review status: criteria provided, single submitter. Criteria: ACMG Guidelines, 2015. Collection method: clinical testing. Allele origin: maternal. Affected: yes.
Comment: PM1, PM2, PM4, PP4